The following is an entry in ClinVar:

NM_000416.3(IFNGR1):c.1300A>G (p.Asn434Asp)

Gene: IFNGR1 (interferon gamma receptor 1; minus strand). Cytogenetic location: 6q23.3.
Variant type: single nucleotide variant.
Coding change: c.1300A>G on transcript NM_000416.3 (MANE Select); coding-DNA position 1300, A replaced by G.
Protein change: p.Asn434Asp; replaces asparagine 434 with aspartic acid.
Molecular consequence: missense variant.
Genome position (GRCh38, 1-based): chr6:137,198,201, T>C on the plus strand (A>G on the coding strand, the complement: IFNGR1 is on the minus strand). VCF-style: chr6-137198201-T-C. GRCh37 (hg19) VCF-style: chr6-137519338-T-C.
Other names: c.1270A>G, p.Asn424Asp (NM_001363526.1); c.1177A>G, p.Asn393Asp (NM_001363527.1); short protein forms N434D, N393D, N424D.
Identifiers: ClinVar variation 2111287 (VCV002111287.4), dbSNP rs2548227463, ClinGen allele CA365772190.

ClinVar aggregate classification (germline): Uncertain significance (1 of 4 stars; one submission).

Conditions:
Disseminated atypical mycobacterial infection. Identifiers: MedGen C0694566.

Submission:

Labcorp Genetics (formerly Invitae), Labcorp
Classification: Uncertain significance for Disseminated atypical mycobacterial infection. Last evaluated: 2022-03-13. Review status: criteria provided, single submitter. Criteria: Invitae Variant Classification Sherloc (09022015). Collection method: clinical testing. Allele origin: germline.
Comment: In summary, the available evidence is currently insufficient to determine the role of this variant in disease. Therefore, it has been classified as a Variant of Uncertain Significance. Algorithms developed to predict the effect of missense changes on protein structure and function output the following: SIFT: "Tolerated"; PolyPhen-2: "Benign"; Align-GVGD: "Class C0". The aspartic acid amino acid residue is found in multiple mammalian species, which suggests that this missense change does not adversely affect protein function. This variant has not been reported in the literature in individuals affected with IFNGR1-related conditions. This variant is not present in population databases (gnomAD no frequency). This sequence change replaces asparagine, which is neutral and polar, with aspartic acid, which is acidic and polar, at codon 434 of the IFNGR1 protein (p.Asn434Asp).